The following is an entry in ClinVar:

NM_007363.5(NONO):c.1313C>T (p.Ala438Val)

Gene: NONO (non-POU domain containing octamer binding; plus strand). Cytogenetic location: Xq13.1.
Variant type: single nucleotide variant.
Coding change: c.1313C>T on transcript NM_007363.5 (MANE Select); coding-DNA position 1313, C replaced by T.
Protein change: p.Ala438Val; replaces alanine 438 with valine.
Molecular consequence: missense variant.
Genome position (GRCh38, 1-based): chrX:71,299,973, C>T. VCF-style: chrX-71299973-C-T. GRCh37 (hg19) VCF-style: chrX-70519823-C-T.
Other names: c.1313C>T, p.Ala438Val (NM_001145408.2, NM_001145409.2); c.1046C>T, p.Ala349Val (NM_001145410.2); short protein forms A438V, A349V.
Identifiers: ClinVar variation 4767742 (VCV004767742.1).

ClinVar aggregate classification (germline): Uncertain significance (1 of 4 stars; one submission).

Submission:

Labcorp Genetics (formerly Invitae), Labcorp
Classification: Uncertain significance. Last evaluated: 2025-08-22. Review status: criteria provided, single submitter. Criteria: Invitae Variant Classification Sherloc (09022015). Collection method: clinical testing. Allele origin: germline.
Comment: This sequence change replaces alanine, which is neutral and non-polar, with valine, which is neutral and non-polar, at codon 438 of the NONO protein (p.Ala438Val). This variant is present in population databases (no rsID available, gnomAD 0.008%). This variant has not been reported in the literature in individuals affected with NONO-related conditions. An algorithm developed to predict the effect of missense changes on protein structure and function (PolyPhen-2) suggests that this variant is likely to be tolerated. In summary, the available evidence is currently insufficient to determine the role of this variant in disease. Therefore, it has been classified as a Variant of Uncertain Significance.